The following is an entry in ClinVar:

NM_015450.3(POT1):c.317T>C (p.Phe106Ser)

Gene: POT1 (protection of telomeres 1; minus strand). Cytogenetic location: 7q31.33.
Variant type: single nucleotide variant.
Coding change: c.317T>C on transcript NM_015450.3 (MANE Select); coding-DNA position 317, T replaced by C.
Protein change: p.Phe106Ser; replaces phenylalanine 106 with serine.
Molecular consequence: missense variant. On other transcripts: 5 prime UTR variant (1), non-coding transcript variant (3).
Genome position (GRCh38, 1-based): chr7:124,863,579, A>G on the plus strand (T>C on the coding strand, the complement: POT1 is on the minus strand). VCF-style: chr7-124863579-A-G. GRCh37 (hg19) VCF-style: chr7-124503633-A-G.
Other names: c.-77T>C (NM_001042594.2); short protein forms F106S.
Identifiers: ClinVar variation 4141951 (VCV004141951.1).

ClinVar aggregate classification (germline): Uncertain significance (1 of 4 stars; one submission).

Conditions:
Hereditary cancer-predisposing syndrome. Also called: Hereditary neoplastic syndrome; Neoplastic Syndromes, Hereditary; Tumor predisposition; Hereditary Cancer Syndrome. Identifiers: Orphanet 140162, MedGen C0027672, MeSH D009386, MONDO:0015356.

Submission:

Ambry Genetics
Classification: Uncertain significance for Hereditary cancer-predisposing syndrome. Last evaluated: 2025-09-05. Review status: criteria provided, single submitter. Criteria: Ambry Variant Classification Scheme 2023. Collection method: clinical testing. Allele origin: germline.
Comment: The p.F106S variant (also known as c.317T>C), located in coding exon 4 of the POT1 gene, results from a T to C substitution at nucleotide position 317. The phenylalanine at codon 106 is replaced by serine, an amino acid with highly dissimilar properties. This amino acid position is highly conserved in available vertebrate species. In addition, this alteration is predicted to be deleterious by in silico analysis. Based on the available evidence, the clinical significance of this variant remains unclear.